The following is an entry in ClinVar:

NM_000268.4(NF2):c.1013G>T (p.Arg338Leu)

Gene: NF2 (NF2, moesin-ezrin-radixin like (MERLIN) tumor suppressor; plus strand). Cytogenetic location: 22q12.2.
Variant type: single nucleotide variant.
Coding change: c.1013G>T on transcript NM_000268.4 (MANE Select); coding-DNA position 1013, G replaced by T.
Protein change: p.Arg338Leu; replaces arginine 338 with leucine.
Molecular consequence: missense variant. On other transcripts: non-coding transcript variant (1), intron variant (1).
Genome position (GRCh38, 1-based): chr22:29,671,839, G>T. VCF-style: chr22-29671839-G-T. GRCh37 (hg19) VCF-style: chr22-30067828-G-T.
Other names: c.899G>T, p.Arg300Leu (NM_001407053.1, NM_001407056.1); c.890G>T, p.Arg297Leu (NM_001407054.1, NM_001407058.1, NM_181829.3); c.887G>T, p.Arg296Leu (NM_001407055.1, NM_181828.3); c.878G>T, p.Arg293Leu (NM_001407057.1, NM_001407059.1); c.1013G>T, p.Arg338Leu (NM_001407060.1, NM_001407066.1, NM_016418.5 and 2 more transcripts); c.755G>T, p.Arg252Leu (NM_001407062.1); c.764G>T, p.Arg255Leu (NM_001407063.1, NM_001407064.1, NM_181830.3 and 1 more transcripts); c.479G>T, p.Arg160Leu (NM_001407065.1); and 2 more; short protein forms R338L, R255L, R261L, R300L, R252L, R293L, R296L, R297L.
Identifiers: ClinVar variation 1736856 (VCV001736856.3), dbSNP rs768053145, ClinGen allele CA411146735.

ClinVar aggregate classification (germline): Uncertain significance. Review status: criteria provided, multiple submitters, no conflicts (2 of 4 stars). 2 submissions from 2 submitters: Uncertain significance (2). Last evaluated 2025-08-05.

Conditions:
Hereditary cancer-predisposing syndrome. Also called: Hereditary Cancer Syndrome; Hereditary neoplastic syndrome; Neoplastic Syndromes, Hereditary; Tumor predisposition. Identifiers: Orphanet 140162, MedGen C0027672, MeSH D009386, MONDO:0015356.
Neurofibromatosis, type 2 (SWNV). Also called: SCHWANNOMATOSIS, VESTIBULAR; NF2-Related Schwannomatosis; BILATERAL ACOUSTIC NEUROFIBROMATOSIS. Identifiers: Orphanet 637, MedGen C0027832, MONDO:0007039, OMIM 101000. Disease mechanism: loss of function.

Submissions (2):

Labcorp Genetics (formerly Invitae), Labcorp
Classification: Uncertain significance for Neurofibromatosis, type 2. Last evaluated: 2025-08-05. Review status: criteria provided, single submitter. Criteria: Invitae Variant Classification Sherloc (09022015). Collection method: clinical testing. Allele origin: germline.
Comment: This sequence change replaces arginine, which is basic and polar, with leucine, which is neutral and non-polar, at codon 338 of the NF2 protein (p.Arg338Leu). This variant is not present in population databases (gnomAD no frequency). This variant has not been reported in the literature in individuals affected with NF2-related conditions. ClinVar contains an entry for this variant (Variation ID: 1736856). Invitae Evidence Modeling of protein sequence and biophysical properties (such as structural, functional, and spatial information, amino acid conservation, physicochemical variation, residue mobility, and thermodynamic stability) indicates that this missense variant is not expected to disrupt NF2 protein function with a negative predictive value of 80%. In summary, the available evidence is currently insufficient to determine the role of this variant in disease. Therefore, it has been classified as a Variant of Uncertain Significance.

Ambry Genetics
Classification: Uncertain significance for Hereditary cancer-predisposing syndrome. Last evaluated: 2020-04-22. Review status: criteria provided, single submitter. Criteria: Ambry Variant Classification Scheme 2023. Collection method: clinical testing. Allele origin: germline.
Comment: The p.R338L variant (also known as c.1013G>T), located in coding exon 11 of the NF2 gene, results from a G to T substitution at nucleotide position 1013. The arginine at codon 338 is replaced by leucine, an amino acid with dissimilar properties. This amino acid position is well conserved in available vertebrate species. In addition, the in silico prediction for this alteration is inconclusive. Since supporting evidence is limited at this time, the clinical significance of this alteration remains unclear.